The following is an entry in ClinVar:

ClinVar aggregate classification (germline): Uncertain significance (1 of 4 stars; one submission).

Conditions:
Tumor predisposition syndrome 3 (TPDS3). Also called: LONG TELOMERE SYNDROME, POT1-RELATED; POT1 Tumor Predisposition; Melanoma, cutaneous malignant, susceptibility to, 10; Glioma susceptibility 9. Identifiers: Orphanet 618, MedGen C4014476, MONDO:0014368, OMIM 615848.

gnomAD v4.1: 1 of 1,608,792 alleles (0.000062%); highest among the groups gnomAD compares: East Asian, 0.0022%; no homozygotes.

Submission:

Labcorp Genetics (formerly Invitae), Labcorp
Classification: Uncertain significance for Tumor predisposition syndrome 3. Last evaluated: 2023-04-14. Review status: criteria provided, single submitter. Criteria: Invitae Variant Classification Sherloc (09022015). Collection method: clinical testing. Allele origin: germline.
Comment: This sequence change replaces proline, which is neutral and non-polar, with serine, which is neutral and polar, at codon 357 of the POT1 protein (p.Pro357Ser). In summary, the available evidence is currently insufficient to determine the role of this variant in disease. Therefore, it has been classified as a Variant of Uncertain Significance. Advanced modeling of protein sequence and biophysical properties (such as structural, functional, and spatial information, amino acid conservation, physicochemical variation, residue mobility, and thermodynamic stability) performed at Invitae indicates that this missense variant is not expected to disrupt POT1 protein function. This variant has not been reported in the literature in individuals affected with POT1-related conditions. This variant is present in population databases (rs748578303, gnomAD 0.006%).

NM_015450.3(POT1):c.1069C>T (p.Pro357Ser)

Gene: POT1 (protection of telomeres 1; minus strand). Cytogenetic location: 7q31.33.
Variant type: single nucleotide variant.
Coding change: c.1069C>T on transcript NM_015450.3 (MANE Select); coding-DNA position 1069, C replaced by T.
Protein change: p.Pro357Ser; replaces proline 357 with serine.
Molecular consequence: missense variant. On other transcripts: non-coding transcript variant (3).
Genome position (GRCh38, 1-based): chr7:124,842,901, G>A on the plus strand (C>T on the coding strand, the complement: POT1 is on the minus strand). VCF-style: chr7-124842901-G-A. GRCh37 (hg19) VCF-style: chr7-124482955-G-A.
Other names: c.676C>T, p.Pro226Ser (NM_001042594.2); short protein forms P357S, P226S.
Identifiers: ClinVar variation 2856108 (VCV002856108.3), dbSNP rs748578303, ClinGen allele CA4465237.